The following is an entry in ClinVar:

NM_024529.5(CDC73):c.1063_1066del (p.Lys355fs)

Gene: CDC73 (cell division cycle 73; plus strand). Cytogenetic location: 1q31.2.
Variant type: Deletion.
Coding change: c.1063_1066del on transcript NM_024529.5 (MANE Select); coding-DNA positions 1063 to 1066, 4 bases deleted (AAAG; older notation c.1063_1066delAAAG).
Protein change: p.Lys355fs; shifts the reading frame from lysine 355.
Molecular consequence: frameshift variant.
Genome position (GRCh38, 1-based): chr1:193,212,097-193,212,100, AAAG deleted; deleting any 4 consecutive bases within chr1:193,212,094-193,212,100 gives the same sequence; the c. name uses the placement nearest the transcript's 3' end. VCF-style (leftmost placement, unchanged base first): chr1-193212093-GAAGA-G. GRCh37 (hg19) VCF-style: chr1-193181223-GAAGA-G.
Other names: short protein forms K355fs.
Identifiers: ClinVar variation 2450586 (VCV002450586.2), dbSNP rs2527455776, ClinGen allele CA2580061756.

ClinVar aggregate classification (germline): Pathogenic (1 of 4 stars; one submission).

Conditions:
Hereditary cancer-predisposing syndrome. Also called: Neoplastic Syndromes, Hereditary; Tumor predisposition; Hereditary neoplastic syndrome; Hereditary Cancer Syndrome. Identifiers: Orphanet 140162, MedGen C0027672, MeSH D009386, MONDO:0015356.

Submission:

Ambry Genetics
Classification: Pathogenic for Hereditary cancer-predisposing syndrome. Last evaluated: 2023-02-02. Review status: criteria provided, single submitter. Criteria: Ambry Variant Classification Scheme 2023. Collection method: clinical testing. Allele origin: germline.
Comment: The c.1063_1066delAAAG variant, located in coding exon 12 of the CDC73 gene, results from a deletion of 4 nucleotides at nucleotide positions 1063 to 1066, causing a translational frameshift with a predicted alternate stop codon (p.K355Dfs*8). This alteration is expected to result in loss of function by premature protein truncation or nonsense-mediated mRNA decay. As such, this alteration is interpreted as a disease-causing mutation.